The following is an entry in ClinVar:

ClinVar aggregate classification (germline): Benign (1 of 4 stars; one submission).

Conditions:
Hereditary diffuse gastric adenocarcinoma (HDGC). Also called: DIFFUSE GASTRIC AND LOBULAR BREAST CANCER SYNDROME. Identifiers: Orphanet 26106, MedGen C1708349, MONDO:0007648, OMIM 137215.

Submission:

Myriad Genetics, Inc.
Classification: Benign for Hereditary diffuse gastric adenocarcinoma. Last evaluated: 2024-09-23. Review status: criteria provided, single submitter. Criteria: Myriad Autosomal Dominant, Autosomal Recessive and X-Linked Classification Criteria (2023). Collection method: clinical testing. Allele origin: unknown.
Comment: This variant is considered benign. This variant is intronic and is not expected to impact mRNA splicing.

NM_004360.5(CDH1):c.2296-31_2296-5dup

Gene: CDH1 (cadherin 1; plus strand). Cytogenetic location: 16q22.1.
Variant type: Duplication.
Coding change: c.2296-31_2296-5dup on transcript NM_004360.5 (MANE Select); 31 bases into the intron before coding-DNA position 2296 through 5 bases into the intron before coding-DNA position 2296, 27 bases duplicated (TTCATTGTACTTCAACCTTTTTTCTCC).
Molecular consequence: intron variant.
Genome position (GRCh38, 1-based): chr16:68,829,623-68,829,649, TTCATTGTACTTCAACCTTTTTTCTCC duplicated; duplicating any 27 consecutive bases within chr16:68,829,622-68,829,649 gives the same sequence; the c. name uses the placement nearest the transcript's 3' end. VCF-style (leftmost placement, unchanged base first): chr16-68829621-T-TCTTCATTGTACTTCAACCTTTTTTCTC. GRCh37 (hg19) VCF-style: chr16-68863524-T-TCTTCATTGTACTTCAACCTTTTTTCTC.
Other names: c.748-31_748-5dup (NM_001317185.2); c.331-31_331-5dup (NM_001317186.2); c.2113-31_2113-5dup (NM_001317184.2).
Identifiers: ClinVar variation 3378530 (VCV003378530.1).